The following is an entry in ClinVar:

NM_004304.5(ALK):c.1559T>C (p.Leu520Ser)

Gene: ALK (ALK receptor tyrosine kinase; minus strand). Cytogenetic location: 2p23.2.
Variant type: single nucleotide variant.
Coding change: c.1559T>C on transcript NM_004304.5 (MANE Select); coding-DNA position 1559, T replaced by C.
Protein change: p.Leu520Ser; replaces leucine 520 with serine.
Molecular consequence: missense variant.
Genome position (GRCh38, 1-based): chr2:29,318,392, A>G on the plus strand (T>C on the coding strand, the complement: ALK is on the minus strand). VCF-style: chr2-29318392-A-G. GRCh37 (hg19) VCF-style: chr2-29541258-A-G.
Other names: short protein forms L520S.
Identifiers: ClinVar variation 3726108 (VCV003726108.2).
Genomic context (GRCh38, chr2:29,318,392, plus strand): 5'-GGAAACGTAGCACTGGTCACTGTAGCACTTTCAGAAGCGGGGACATCAGTGGTACTGAGC[A>G]ATAGAGCATGGTCTAGGAGAGAGGAAAAGAATCACAAGCACGCCATTATCAGGAACTGGG-3'
Protein context (NP_004295.2, residues 510-530): RFQDHQDHAL[Leu520Ser]LSTTDVPASE

ClinVar aggregate classification (germline): Uncertain significance (1 of 4 stars; one submission).

Conditions:
Neuroblastoma, susceptibility to, 3. Also called: ALK-Related Neuroblastic Tumor Susceptibility. Identifiers: Orphanet 635, MedGen C2751681, MONDO:0013083, OMIM 613014.

Submission:

Labcorp Genetics (formerly Invitae), Labcorp
Classification: Uncertain significance for Neuroblastoma, susceptibility to, 3. Last evaluated: 2024-11-26. Review status: criteria provided, single submitter. Criteria: Invitae Variant Classification Sherloc (09022015). Collection method: clinical testing. Allele origin: germline.
Comment: This sequence change replaces leucine, which is neutral and non-polar, with serine, which is neutral and polar, at codon 520 of the ALK protein (p.Leu520Ser). This variant is not present in population databases (gnomAD no frequency). This variant has not been reported in the literature in individuals affected with ALK-related conditions. An algorithm developed to predict the effect of missense changes on protein structure and function outputs the following: PolyPhen-2: "Benign". The serine amino acid residue is found in multiple mammalian species, which suggests that this missense change does not adversely affect protein function. In summary, the available evidence is currently insufficient to determine the role of this variant in disease. Therefore, it has been classified as a Variant of Uncertain Significance.